The following is an entry in ClinVar:

ClinVar aggregate classification (germline): Benign/Likely benign. Review status: criteria provided, multiple submitters, no conflicts (2 of 4 stars). 4 submissions from 4 submitters: Benign (2); Likely benign (2). Last evaluated 2026-06-01.

Conditions:
Glutamate formiminotransferase deficiency. Also called: Arakawa syndrome 1; Formiminoglutamic aciduria. Identifiers: Orphanet 51208, MedGen C0268609, MONDO:0009240, OMIM 229100.

Allele frequency attached by ClinVar (database versions not stated): 1000 Genomes Project 0.00100; TOPMed 0.00249; ESP Exome Variant Server 0.00282.
gnomAD v4.1: 4,345 of 1,566,116 alleles (0.28%); highest among the groups gnomAD compares: Non-Finnish European, 0.33%; 10 homozygotes.

Submissions (4):

CeGaT Center for Human Genetics Tuebingen
Classification: Likely benign. Last evaluated: 2026-06-01. Review status: criteria provided, single submitter. Criteria: CeGaT Center For Human Genetics Tuebingen Variant Classification Criteria Version 2. Collection method: clinical testing. Allele origin: germline. Affected: yes. Observed: 2 variant alleles.
Comment: FTCD: BP4, BP7

Labcorp Genetics (formerly Invitae), Labcorp
Classification: Benign for Glutamate formiminotransferase deficiency. Last evaluated: 2026-01-06. Review status: criteria provided, single submitter. Criteria: Invitae Variant Classification Sherloc (09022015). Collection method: clinical testing. Allele origin: germline.

Blueprint Genetics
Classification: Likely benign. Last evaluated: 2024-11-18. Review status: criteria provided, single submitter. Criteria: ACMG Guidelines, 2015. Collection method: clinical testing. Allele origin: germline.

Breakthrough Genomics
Classification: Benign. Review status: criteria provided, single submitter. Criteria: ACMG Guidelines, 2015. Collection method: not provided. Allele origin: germline. Inheritance: Autosomal recessive inheritance. Affected: yes.

NM_206965.2(FTCD):c.378C>T (p.Tyr126=)

Genes: FTCD (formimidoyltransferase cyclodeaminase; minus strand), FTCD-AS1 (FTCD antisense RNA 1; plus strand). Cytogenetic location: 21q22.3.
Variant type: single nucleotide variant.
Coding change: c.378C>T on transcript NM_206965.2 (MANE Select); coding-DNA position 378, C replaced by T.
Protein change: p.Tyr126=; no amino-acid change (tyrosine 126 retained).
Molecular consequence: synonymous variant.
Genome position (GRCh38, 1-based): chr21:46,151,970, G>A on the plus strand (C>T on the coding strand, the complement: FTCD is on the minus strand). VCF-style: chr21-46151970-G-A. GRCh37 (hg19) VCF-style: chr21-47571884-G-A.
Other names: c.378C>T, p.Tyr126= (NM_001320412.2, NM_006657.3).
Identifiers: ClinVar variation 340438 (VCV000340438.19), dbSNP rs374724805, ClinGen allele CA10073930.